The following is an entry in ClinVar:

NM_000038.6(APC):c.4343C>A (p.Thr1448Asn)

Gene: APC (APC regulator of Wnt signaling pathway; plus strand). Cytogenetic location: 5q22.2.
Variant type: single nucleotide variant.
Coding change: c.4343C>A on transcript NM_000038.6 (MANE Select); coding-DNA position 4343, C replaced by A.
Protein change: p.Thr1448Asn; replaces threonine 1448 with asparagine.
Molecular consequence: missense variant.
Genome position (GRCh38, 1-based): chr5:112,839,937, C>A. VCF-style: chr5-112839937-C-A. GRCh37 (hg19) VCF-style: chr5-112175634-C-A.
Other names: c.4343C>A, p.Thr1448Asn (NM_001127510.3, NM_001354895.2); c.4289C>A, p.Thr1430Asn (NM_001127511.3); c.4397C>A, p.Thr1466Asn (NM_001354896.2); c.4373C>A, p.Thr1458Asn (NM_001354897.2); c.4268C>A, p.Thr1423Asn (NM_001354898.2); c.4259C>A, p.Thr1420Asn (NM_001354899.2); c.4220C>A, p.Thr1407Asn (NM_001354900.2); c.4166C>A, p.Thr1389Asn (NM_001354901.2); and 5 more; short protein forms T1288N, T1357N, T1389N, T1466N, T1322N, T1448N, T1165N, T1347N.
Identifiers: ClinVar variation 824809 (VCV000824809.4), dbSNP rs907886109, ClinGen allele CA16030846.
Genomic context (GRCh38, chr5:112,839,937, plus strand): 5'-GACAAACCATGCCACCAAGCAGAAGTAAAACACCTCCACCACCTCCTCAAACAGCTCAAA[C>A]CAAGCGAGAAGTACCTAAAAATAAAGCACCTACTGCTGAAAAGAGAGAGAGTGGACCTAA-3'
Protein context (NP_000029.2, residues 1438-1458): TPPPPPQTAQ[Thr1448Asn]KREVPKNKAP

ClinVar aggregate classification (germline): Uncertain significance (1 of 4 stars; one submission).

Conditions:
Hereditary cancer-predisposing syndrome. Also called: Neoplastic Syndromes, Hereditary; Tumor predisposition; Hereditary neoplastic syndrome; Hereditary Cancer Syndrome. Identifiers: Orphanet 140162, MedGen C0027672, MeSH D009386, MONDO:0015356.

Submission:

Ambry Genetics
Classification: Uncertain significance for Hereditary cancer-predisposing syndrome. Last evaluated: 2019-03-18. Review status: criteria provided, single submitter. Criteria: Ambry Variant Classification Scheme 2023. Collection method: clinical testing. Allele origin: germline.
Comment: The p.T1448N variant (also known as c.4343C>A), located in coding exon 15 of the APC gene, results from a C to A substitution at nucleotide position 4343. The threonine at codon 1448 is replaced by asparagine, an amino acid with similar properties. This amino acid position is poorly conserved in available vertebrate species. In addition, in silico predictors for this gene do not accurately predict pathogenicity. Since supporting evidence is limited at this time, the clinical significance of this alteration remains unclear.